The following is an entry in ClinVar:

NM_198253.3(TERT):c.1939A>C (p.Arg647=)

Gene: TERT (telomerase reverse transcriptase; minus strand). Cytogenetic location: 5p15.33.
Variant type: single nucleotide variant.
Coding change: c.1939A>C on transcript NM_198253.3 (MANE Select); coding-DNA position 1939, A replaced by C.
Protein change: p.Arg647=; no amino-acid change (arginine 647 retained).
Molecular consequence: synonymous variant. On other transcripts: non-coding transcript variant (2).
Genome position (GRCh38, 1-based): chr5:1,280,169, T>G on the plus strand (A>C on the coding strand, the complement: TERT is on the minus strand). VCF-style: chr5-1280169-T-G. GRCh37 (hg19) VCF-style: chr5-1280284-T-G.
Other names: c.1939A>C, p.Arg647= (NM_001193376.3).
Identifiers: ClinVar variation 471839 (VCV000471839.19), dbSNP rs144821759, ClinGen allele CA3184721.

ClinVar aggregate classification (germline): Conflicting classifications of pathogenicity. Review status: criteria provided, conflicting classifications (1 of 4 stars). 5 submissions from 3 submitters: Uncertain significance (2); Likely benign (3). Last evaluated 2025-12-01.

Conditions:
Dyskeratosis congenita, autosomal dominant 2. Identifiers: MedGen C3151443, MONDO:0013521, OMIM 613989.
Aplastic anemia. Identifiers: Orphanet 182040, Orphanet 88, MedGen C0002874, MONDO:0015909, OMIM 609135, HP:0001915.
Dyskeratosis congenita. Identifiers: Orphanet 1775, MedGen C0265965, MONDO:0015780.
Idiopathic Pulmonary Fibrosis. Also called: Idiopathic fibrosing alveolitis, chronic form; idiopathic fibrosing alveolitis. Identifiers: Orphanet 2032, MedGen C1800706, MeSH D054990, MONDO:0800504.
Pulmonary fibrosis and/or bone marrow failure, Telomere-related, 1. Also called: PULMONARY FIBROSIS AND/OR BONE MARROW FAILURE SYNDROME, TELOMERE-RELATED, 1. Identifiers: Orphanet 88, MedGen C3553617, MONDO:0013878, OMIM 614742.

Allele frequency attached by ClinVar (database versions not stated): ExAC 0.00001; gnomAD 0.00001 and 0.00002; gnomAD exomes 0.00001; TOPMed 0.00001; ESP Exome Variant Server 0.00015.

Submissions (5):

Labcorp Genetics (formerly Invitae), Labcorp
Classification: Likely benign for Dyskeratosis congenita, autosomal dominant 2; Idiopathic Pulmonary Fibrosis. Last evaluated: 2025-12-01. Review status: criteria provided, single submitter. Criteria: Invitae Variant Classification Sherloc (09022015). Collection method: clinical testing. Allele origin: germline.

Ambry Genetics
Classification: Likely benign for Dyskeratosis congenita. Last evaluated: 2022-03-19. Review status: criteria provided, single submitter. Criteria: Ambry Variant Classification Scheme 2023. Collection method: clinical testing. Allele origin: germline.

Illumina Laboratory Services, Illumina
Classification: Likely benign for Pulmonary fibrosis and/or bone marrow failure, Telomere-related, 1. Last evaluated: 2017-06-09. Review status: criteria provided, single submitter. Criteria: ICSL Variant Classification Criteria 13 December 2019. Collection method: clinical testing. Allele origin: germline.
Comment: This variant was observed as part of a predisposition screen in an ostensibly healthy population. A literature search was performed for the gene, cDNA change, and amino acid change (where applicable). No publications were found based on this search. Allele frequency data from public databases allowed determination this variant is unlikely to cause disease. Therefore, this variant is classified as likely benign.

Illumina Laboratory Services, Illumina
Classification: Uncertain significance for Aplastic anemia. Last evaluated: 2017-04-28. Review status: criteria provided, single submitter. Criteria: ICSL Variant Classification Criteria 13 December 2019. Collection method: clinical testing. Allele origin: germline.

Illumina Laboratory Services, Illumina
Classification: Uncertain significance for Dyskeratosis congenita, autosomal dominant 2. Last evaluated: 2017-04-28. Review status: criteria provided, single submitter. Criteria: ICSL Variant Classification Criteria 13 December 2019. Collection method: clinical testing. Allele origin: germline.